The following is an entry in ClinVar:

ClinVar aggregate classification (germline): Uncertain significance. Review status: criteria provided, single submitter (1 of 4 stars). 2 submissions from 2 submitters: Uncertain significance (1). 1 of the submissions does not count toward it. Last evaluated 2021-08-26.

Conditions:
Athabaskan severe combined immunodeficiency (SCIDA). Also called: Severe combined immunodeficiency, athabascan-type. Identifiers: MedGen C1865370.
Severe combined immunodeficiency due to DCLRE1C deficiency (RS-SCID). Also called: SCID, AUTOSOMAL RECESSIVE, T CELL-NEGATIVE, B CELL-NEGATIVE, NK CELL-POSITIVE, WITH SENSITIVITY TO IONIZING RADIATION. Identifiers: Orphanet 275, MedGen C1865371, MONDO:0011225, OMIM 602450.

Submissions (2):

Labcorp Genetics (formerly Invitae), Labcorp
Classification: Uncertain significance for Athabaskan severe combined immunodeficiency. Last evaluated: 2021-08-26. Review status: criteria provided, single submitter. Criteria: Invitae Variant Classification Sherloc (09022015). Collection method: clinical testing. Allele origin: germline.
Comment: This variant, c.1161_1163del, results in the deletion of 1 amino acid(s) of the DCLRE1C protein (p.Glu388del), but otherwise preserves the integrity of the reading frame. This variant is not present in population databases (ExAC no frequency). This variant has not been reported in the literature in individuals affected with DCLRE1C-related conditions. Experimental studies and prediction algorithms are not available or were not evaluated, and the functional significance of this variant is currently unknown. In summary, the available evidence is currently insufficient to determine the role of this variant in disease. Therefore, it has been classified as a Variant of Uncertain Significance.

Natera, Inc.
Classification: Uncertain significance for Athabascan severe combined immunodeficiency. Last evaluated: 2020-10-05. Review status: no assertion criteria provided. Collection method: clinical testing. Allele origin: germline. Not counted in ClinVar's aggregate classification.

NM_001033855.3(DCLRE1C):c.1161_1163del

Gene: DCLRE1C (DNA cross-link repair 1C; minus strand). Cytogenetic location: 10p13.
Variant type: Microsatellite.
Coding change: c.1161_1163del on transcript NM_001033855.3 (MANE Select); coding-DNA positions 1161 to 1163, 3 bases deleted (GGA; older notation c.1161_1163delGGA).
Genome position (GRCh38, 1-based): chr10:14,909,324-14,909,326, TCC deleted on the plus strand (GGA on the coding strand, the reverse complement: DCLRE1C is on the minus strand); deleting any 3 consecutive bases within chr10:14,909,324-14,909,331 gives the same sequence; the c. name uses the placement nearest the transcript's 3' end. VCF-style (leftmost placement, unchanged base first): chr10-14909323-TTCC-T. GRCh37 (hg19) VCF-style: chr10-14951322-TTCC-T.
Identifiers: ClinVar variation 1016687 (VCV001016687.7), dbSNP rs1437681771, ClinGen allele CA468274017.